The following is an entry in ClinVar:

NM_004795.4(KL):c.1101dup (p.Ala368fs)

Gene: KL (klotho; plus strand). Cytogenetic location: 13q13.1.
Variant type: Duplication.
Coding change: c.1101dup on transcript NM_004795.4 (MANE Select); coding-DNA position 1101, one base duplicated (T; older notation c.1101dupT).
Protein change: p.Ala368fs; shifts the reading frame from alanine 368.
Molecular consequence: frameshift variant.
Genome position (GRCh38, 1-based): chr13:33,054,048, T duplicated; the last of 6 consecutive T bases (chr13:33,054,043-33,054,048); duplicating any one gives the same sequence. VCF-style (leftmost placement, unchanged base first): chr13-33054042-C-CT. GRCh37 (hg19) VCF-style: chr13-33628179-C-CT.
Other names: short protein forms A368fs.
Identifiers: ClinVar variation 2986866 (VCV002986866.3), dbSNP rs755503435, ClinGen allele CA2622629822.

ClinVar aggregate classification (germline): Uncertain significance (1 of 4 stars; one submission).

Submission:

Labcorp Genetics (formerly Invitae), Labcorp
Classification: Uncertain significance. Last evaluated: 2023-02-08. Review status: criteria provided, single submitter. Criteria: Invitae Variant Classification Sherloc (09022015). Collection method: clinical testing. Allele origin: germline.
Comment: This variant has not been reported in the literature in individuals affected with KL-related conditions. This variant is not present in population databases (gnomAD no frequency). This sequence change creates a premature translational stop signal (p.Ala368Cysfs*35) in the KL gene. It is expected to result in an absent or disrupted protein product. However, the current clinical and genetic evidence is not sufficient to establish whether loss-of-function variants in KL cause disease. In summary, the available evidence is currently insufficient to determine the role of this variant in disease. Therefore, it has been classified as a Variant of Uncertain Significance.